The following is an entry in ClinVar:

NM_017739.4(POMGNT1):c.215dup (p.Glu73fs)

Gene: POMGNT1 (protein O-linked mannose N-acetylglucosaminyltransferase 1 (beta 1,2-); minus strand). Cytogenetic location: 1p34.1.
Variant type: Duplication.
Coding change: c.215dup on transcript NM_017739.4 (MANE Select); coding-DNA position 215, one base duplicated (C; older notation c.215dupC).
Protein change: p.Glu73fs; shifts the reading frame from glutamic acid 73.
Molecular consequence: frameshift variant. On other transcripts: 5 prime UTR variant (1).
Genome position (GRCh38, 1-based): chr1:46,196,990, G duplicated on the plus strand (C on the coding strand, the reverse complement: POMGNT1 is on the minus strand); the first of 3 consecutive G bases (chr1:46,196,990-46,196,992); duplicating any one gives the same sequence. VCF-style (leftmost placement, unchanged base first): chr1-46196989-T-TG. GRCh37 (hg19) VCF-style: chr1-46662661-T-TG.
Other names: c.215dup (NM_017739.3); c.215dup, p.Glu73fs (NM_001243766.2, NM_001410783.1); c.147dup, p.Glu51Argfs (NM_001290129.3); c.-215dup (NM_001290130.2); short protein forms E51fs, E73fs.
Identifiers: ClinVar variation 2677986 (VCV002677986.2), dbSNP rs2525465722, ClinGen allele CA2695198009.

ClinVar aggregate classification (germline): Likely pathogenic. Review status: criteria provided, multiple submitters, no conflicts (2 of 4 stars). 2 submissions from 2 submitters: Likely pathogenic (2). Last evaluated 2025-08-08.

Conditions:
Muscular dystrophy-dystroglycanopathy (congenital with brain and eye anomalies), type A3. Also called: Muscular dystrophy-dystroglycanopathy (congenital with brain and eye anomalies), type A, 3; WALKER-WARBURG SYNDROME OR MUSCLE-EYE-BRAIN DISEASE, POMGNT1-RELATED; Congenital muscular dystrophy-dystroglycanopathy with brain and eye anomalies, type A3. Identifiers: MedGen C3151519, MONDO:0009667, OMIM 253280.
Muscle eye brain disease (MEB). Also called: Santavuori congenital muscular dystrophy. Identifiers: Orphanet 588, Orphanet 899, MedGen C0457133, MONDO:0018939.

Submissions (2):

Natera, Inc.
Classification: Likely pathogenic for Muscle-eye-brain disease. Last evaluated: 2025-08-08. Review status: criteria provided, single submitter. Criteria: Natera Variant Classification Schema (03/2026). Collection method: clinical testing. Allele origin: germline.
Comment: The c.215dup variant in POMGNT1 is a frameshift variant predicted to shift the reading frame beginning at codon 73 and leads to a stop codon 7 codons downstream. This variant is expected to result in nonsense mediated decay, truncation, or a dysfunctional protein product. This variant is rare in the general population with a frequency below the threshold expected for the associated phenotype(s). Given the available evidence, this variant is classified as Likely Pathogenic.

Baylor Genetics
Classification: Likely pathogenic for Muscular dystrophy-dystroglycanopathy (congenital with brain and eye anomalies), type A3. Last evaluated: 2022-11-10. Review status: criteria provided, single submitter. Criteria: ACMG Guidelines, 2015. Collection method: clinical testing. Allele origin: unknown.